The following is an entry in ClinVar:

ClinVar aggregate classification (germline): Pathogenic/Likely pathogenic. Review status: criteria provided, multiple submitters, no conflicts (2 of 4 stars). 7 submissions from 7 submitters: Pathogenic (5); Likely pathogenic (2). Last evaluated 2024-11-07.

Conditions:
Familial cancer of breast. Also called: Hereditary breast cancer; BREAST CANCER, FAMILIAL; hereditary breast carcinoma. Identifiers: Orphanet 227535, MedGen C0346153, MONDO:0016419, OMIM 114480. Disease mechanism: loss of function.
Hereditary cancer-predisposing syndrome. Also called: Hereditary neoplastic syndrome; Neoplastic Syndromes, Hereditary; Tumor predisposition; Hereditary Cancer Syndrome. Identifiers: Orphanet 140162, MedGen C0027672, MeSH D009386, MONDO:0015356.

Submissions (7):

Labcorp Genetics (formerly Invitae), Labcorp
Classification: Pathogenic for Familial cancer of breast. Last evaluated: 2024-11-07. Review status: criteria provided, single submitter. Criteria: Invitae Variant Classification Sherloc (09022015). Collection method: clinical testing. Allele origin: germline.
Comment: This sequence change creates a premature translational stop signal (p.Arg95Aspfs*15) in the CHEK2 gene. It is expected to result in an absent or disrupted protein product. Loss-of-function variants in CHEK2 are known to be pathogenic (PMID: 21876083, 24713400). This variant is not present in population databases (gnomAD no frequency). This variant has not been reported in the literature in individuals affected with CHEK2-related conditions. ClinVar contains an entry for this variant (Variation ID: 422723). For these reasons, this variant has been classified as Pathogenic.

Quest Diagnostics Nichols Institute San Juan Capistrano
Classification: Likely pathogenic. Last evaluated: 2024-10-11. Review status: criteria provided, single submitter. Criteria: Quest Diagnostics criteria. Collection method: clinical testing. Allele origin: unknown.
Comment: The CHEK2 c.282del (p.Arg95Aspfs*15) variant alters the translational reading frame of the CHEK2 mRNA and is predicted to cause the premature termination of CHEK2 protein synthesis. This variant has been reported in the published literature in individuals undergoing testing for hereditary cancer (PMID: 32805687 (2020)). This variant has not been reported in large, multi-ethnic general populations (Genome Aggregation Database). Based on the available information, this variant is classified as likely pathogenic.

Ambry Genetics
Classification: Pathogenic for Hereditary cancer-predisposing syndrome. Last evaluated: 2024-02-27. Review status: criteria provided, single submitter. Criteria: Ambry Variant Classification Scheme 2023. Collection method: clinical testing. Allele origin: germline.
Comment: The c.282delT pathogenic mutation, located in coding exon 1 of the CHEK2 gene, results from a deletion of one nucleotide at nucleotide position 282, causing a translational frameshift with a predicted alternate stop codon (p.R95Dfs*15). This alteration is expected to result in loss of function by premature protein truncation or nonsense-mediated mRNA decay. This variant is considered to be rare based on population cohorts in the Genome Aggregation Database (gnomAD). As such, this alteration is interpreted as a disease-causing mutation.

Molecular Pathology, Peter Maccallum Cancer Centre
Classification: Pathogenic for Familial cancer of breast. Last evaluated: 2024-01-04. Review status: criteria provided, single submitter. Criteria: ACMG Guidelines, 2015. Collection method: clinical testing. Allele origin: germline. Inheritance: Autosomal dominant inheritance.

Color Diagnostics, LLC DBA Color Health
Classification: Pathogenic for Hereditary cancer-predisposing syndrome. Last evaluated: 2023-12-04. Review status: criteria provided, single submitter. Criteria: ACMG Guidelines, 2015. Collection method: clinical testing. Allele origin: germline.
Comment: This variant deletes 1 nucleotide in exon 2 of the CHEK2 gene, creating a frameshift and premature translation stop signal. This variant is expected to result in an absent or non-functional protein product. To our knowledge, this variant has not been reported in individuals affected with CHEK2-related disorders in the literature. This variant has not been identified in the general population by the Genome Aggregation Database (gnomAD). Loss of CHEK2 function is a known mechanism of disease. Based on the available evidence, this variant is classified as Pathogenic.

Myriad Genetics, Inc.
Classification: Pathogenic for Familial cancer of breast. Last evaluated: 2023-06-23. Review status: criteria provided, single submitter. Criteria: Myriad Autosomal Dominant, Autosomal Recessive and X-Linked Classification Criteria (2023). Collection method: clinical testing. Allele origin: unknown.
Comment: This variant is considered pathogenic. This variant creates a frameshift predicted to result in premature protein truncation.

GeneDx
Classification: Likely pathogenic. Last evaluated: 2016-11-08. Review status: criteria provided, single submitter. Criteria: GeneDx Variant Classification (06012015). Collection method: clinical testing. Allele origin: germline. Affected: yes.
Comment: This deletion of one nucleotide in CHEK2 is denoted c.282delT at the cDNA level and p.Arg95AspfsX15 (R95DfsX15) at the protein level. The normal sequence, with the base that is deleted in braces, is GGGC[T]CGAT. The deletion causes a frameshift which changes an Arginine to an Aspartic Acid at codon 95, and creates a premature stop codon at position 15 of the new reading frame. Although this variant has not, to our knowledge, been reported in the literature, it is predicted to cause loss of normal protein function through either protein truncation or nonsense-mediated mRNA decay. Based on the currently available information, we consider this deletion to be a likely pathogenic variant.

Literature cited by the submitters: PubMed 21876083 (cited by Labcorp Genetics (formerly Invitae), Labcorp); PubMed 24713400 (cited by Labcorp Genetics (formerly Invitae), Labcorp); PubMed 32805687 (cited by Quest Diagnostics Nichols Institute San Juan Capistrano).

NM_007194.4(CHEK2):c.282del (p.Arg95fs)

Gene: CHEK2 (checkpoint kinase 2; minus strand). Cytogenetic location: 22q12.1.
Variant type: Deletion.
Coding change: c.282del on transcript NM_007194.4 (MANE Select); coding-DNA position 282, one base deleted (T; older notation c.282delT).
Protein change: p.Arg95fs; shifts the reading frame from arginine 95.
Molecular consequence: frameshift variant.
Genome position (GRCh38, 1-based): chr22:28,734,440, A deleted on the plus strand (T on the coding strand, the reverse complement: CHEK2 is on the minus strand). VCF-style (leftmost placement, unchanged base first): chr22-28734439-GA-G. GRCh37 (hg19) VCF-style: chr22-29130427-GA-G.
Other names: c.282del (NM_007194.3); c.282delT, p.Arg95Aspfs (NM_001005735.3, NM_001349956.3, NM_145862.3); c.-496delT (NM_001257387.3); short protein forms R95fs.
Identifiers: ClinVar variation 422723 (VCV000422723.19), dbSNP rs1064795959, ClinGen allele CA16621083.
Genomic context (GRCh38, chr22:28,734,439, plus strand): 5'-ATACTATACAACAAAGGGTCTTACCAAGATTGGCAAATCCATCCTGAAGGGCCCATAATC[GA>G]GCCCAGGGGGCAGGGGTAGGCTCCTCAGGTTCTTGGTCCTCAGGTTCTTGGTCCTCAGGA-3'